The following is an entry in ClinVar:

NM_000517.6(HBA2):c.301-15_301-10del

Genes: HBA2 (hemoglobin subunit alpha 2; plus strand), LOC106804612 (hemoglobin subunit alpha 2 recombination region; plus strand). Cytogenetic location: 16p13.3.
Variant type: Deletion.
Coding change: c.301-15_301-10del on transcript NM_000517.6 (MANE Select); 15 bases into the intron before coding-DNA position 301 through 10 bases into the intron before coding-DNA position 301, 6 bases deleted (CTCTTC; older notation c.301-15_301-10delCTCTTC).
Molecular consequence: intron variant.
Genome position (GRCh38, 1-based): chr16:173,457-173,462, CTCTTC deleted; deleting any 6 consecutive bases within chr16:173,456-173,462 gives the same sequence; the c. name uses the placement nearest the transcript's 3' end. VCF-style (leftmost placement, unchanged base first): chr16-173455-CCCTCTT-C. GRCh37 (hg19) VCF-style: chr16-223454-CCCTCTT-C.
Identifiers: ClinVar variation 3767063 (VCV003767063.1).

ClinVar aggregate classification (germline): Uncertain significance (1 of 4 stars; one submission).

Submission:

ARUP Laboratories, Molecular Genetics and Genomics, ARUP Laboratories
Classification: Uncertain significance. Last evaluated: 2024-08-07. Review status: criteria provided, single submitter. Criteria: ARUP Molecular Germline Variant Investigation Process 2024. Collection method: clinical testing. Allele origin: germline.
Comment: The HBA2 c.301-15_301-10del variant, to our knowledge, is not reported in the medical literature or gene specific databases. This variant is also absent from the Genome Aggregation Database (v2.1.1), indicating it is not a common polymorphism. This is an intronic variant and computational analyses (Alamut Visual Plus v.1.5.1) predict that this variant may impact splicing by weakening the nearby canonical acceptor splice site. However, given the lack of clinical and functional data, the significance of this variant is uncertain at this time.